The following is an entry in ClinVar:

NM_000108.5(DLD):c.675T>C (p.Gly225=)

Gene: DLD (dihydrolipoamide dehydrogenase; plus strand). Cytogenetic location: 7q31.1.
Variant type: single nucleotide variant.
Coding change: c.675T>C on transcript NM_000108.5 (MANE Select); coding-DNA position 675, T replaced by C.
Protein change: p.Gly225=; no amino-acid change (glycine 225 retained).
Molecular consequence: synonymous variant.
Genome position (GRCh38, 1-based): chr7:107,906,359, T>C. VCF-style: chr7-107906359-T-C. GRCh37 (hg19) VCF-style: chr7-107546804-T-C.
Other names: p.G225G:GGT>GGC; p.Gly225=; c.378T>C, p.Gly126= (NM_001289750.1); c.606T>C, p.Gly202= (NM_001289751.1); c.531T>C, p.Gly177= (NM_001289752.1).
Identifiers: ClinVar variation 203670 (VCV000203670.18), dbSNP rs73726765, ClinGen allele CA312444.

ClinVar aggregate classification (germline): Benign. Review status: criteria provided, multiple submitters, no conflicts (2 of 4 stars). 6 submissions from 6 submitters: Benign (5). 1 of the submissions does not count toward it. Last evaluated 2026-02-04.

Conditions:
Pyruvate dehydrogenase E3 deficiency (DLDD). Also called: Dihydrolipoamide Dehydrogenase E3 Deficiency; Lipoamide dehydrogenase deficiency, lactic acidosis due to; DLD DEFICIENCY; E3 DEFICIENCY; Dihydrolipoamide Dehydrogenase (E3) Deficiency; Dihydrolipoamide Dehydrogenase Deficiency. Identifiers: Orphanet 2394, Orphanet 765, MedGen C5574660, MONDO:0009529, OMIM 246900.

Allele frequency attached by ClinVar (database versions not stated): gnomAD exomes 0.00102 and 0.00299; ExAC 0.00375; 1000 Genomes Project 30x 0.01140; gnomAD 0.01155 and 0.01233; 1000 Genomes Project 0.01158; TOPMed 0.01277; ESP Exome Variant Server 0.01538.
gnomAD v4.1: 3,290 of 1,605,498 alleles (0.2%); highest among the groups gnomAD compares: African/African-American, 3.9%; 59 homozygotes.

Submissions (6):

Labcorp Genetics (formerly Invitae), Labcorp
Classification: Benign for Pyruvate dehydrogenase E3 deficiency. Last evaluated: 2026-02-04. Review status: criteria provided, single submitter. Criteria: Invitae Variant Classification Sherloc (09022015). Collection method: clinical testing. Allele origin: germline.

Mayo Clinic Laboratories, Mayo Clinic
Classification: Benign. Last evaluated: 2024-09-20. Review status: criteria provided, single submitter. Criteria: ACMG Guidelines, 2015. Collection method: clinical testing. Allele origin: germline. Observed: 17 variant alleles.
Comment: BS1, BS2

Eurofins Ntd Llc (ga)
Classification: Benign. Last evaluated: 2017-02-01. Review status: criteria provided, single submitter. Criteria: EGL Classification Definitions 2015. Collection method: clinical testing. Allele origin: germline. Observed: 1 variant allele, 1 heterozygote.

GeneDx
Classification: Benign. Last evaluated: 2014-07-07. Review status: criteria provided, single submitter. Criteria: GeneDx Variant Classification (06012015). Collection method: clinical testing. Allele origin: germline. Affected: yes.
Comment: This variant is considered likely benign or benign based on one or more of the following criteria: it is a conservative change, it occurs at a poorly conserved position in the protein, it is predicted to be benign by multiple in silico algorithms, and/or has population frequency not consistent with disease.

Breakthrough Genomics
Classification: Benign. Review status: criteria provided, single submitter. Criteria: ACMG Guidelines, 2015. Collection method: not provided. Allele origin: germline. Inheritance: Autosomal recessive inheritance. Affected: yes.

Natera, Inc.
Classification: Benign for Maple syrup urine disease type 3. Last evaluated: 2020-09-16. Review status: no assertion criteria provided. Collection method: clinical testing. Allele origin: germline. Not counted in ClinVar's aggregate classification.